The following is an entry in ClinVar:

ClinVar aggregate classification (germline): Conflicting classifications of pathogenicity. Review status: criteria provided, conflicting classifications (1 of 4 stars). 4 submissions from 4 submitters: Uncertain significance (2); Likely benign (2). Last evaluated 2026-01-05.

Conditions:
Very long chain acyl-CoA dehydrogenase deficiency (ACADVLD). Also called: Very Long-Chain Acyl-Coenzyme A Dehydrogenase Deficiency; VLCAD Deficiency. Identifiers: Orphanet 26793, MedGen C3887523, MONDO:0008723, OMIM 201475.

Allele frequency attached by ClinVar (database versions not stated): gnomAD 0.00001; TOPMed 0.00004; gnomAD exomes 0.00006 and 0.00014; ExAC 0.00014.

Submissions (4):

Labcorp Genetics (formerly Invitae), Labcorp
Classification: Likely benign for Very long chain acyl-CoA dehydrogenase deficiency. Last evaluated: 2026-01-05. Review status: criteria provided, single submitter. Criteria: Invitae Variant Classification Sherloc (09022015). Collection method: clinical testing. Allele origin: germline.

Blueprint Genetics
Classification: Likely benign. Last evaluated: 2021-06-15. Review status: criteria provided, single submitter. Criteria: ACMG Guidelines, 2015. Collection method: clinical testing. Allele origin: germline.

GeneDx
Classification: Uncertain significance. Last evaluated: 2020-08-07. Review status: criteria provided, single submitter. Criteria: GeneDx Variant Classification Process June 2021. Collection method: clinical testing. Allele origin: germline. Affected: yes.
Comment: In silico analysis supports a deleterious effect on splicing

Wong Mito Lab, Molecular and Human Genetics, Baylor College of Medicine
Classification: Uncertain significance for Very long chain acyl-CoA dehydrogenase deficiency. Last evaluated: 2019-11-01. Review status: criteria provided, single submitter. Criteria: ACMG Guidelines, 2015. Collection method: clinical testing. Allele origin: germline.
Comment: The NM_000018.3:c.879-16C>A (NP_000009.1:p.?) [GRCH38: NC_000017.11:g.7222651C>A] variant in ACADVL gene is interpretated to be Uncertain Significance based on ACMG guidelines (PMID: 25741868). This variant has been reported. This variant dose not meet any evidence codes reported in the ACMG guidelines.

NM_000018.4(ACADVL):c.879-16C>A

Gene: ACADVL (acyl-CoA dehydrogenase very long chain; plus strand). Cytogenetic location: 17p13.1.
Variant type: single nucleotide variant.
Coding change: c.879-16C>A on transcript NM_000018.4 (MANE Select); 16 bases into the intron before coding-DNA position 879, C replaced by A.
Molecular consequence: intron variant.
Genome position (GRCh38, 1-based): chr17:7,222,651, C>A. VCF-style: chr17-7222651-C-A. GRCh37 (hg19) VCF-style: chr17-7125970-C-A.
Other names: c.948-16C>A (NM_001270447.2); c.651-16C>A (NM_001270448.2); c.813-16C>A (NM_001033859.3).
Identifiers: ClinVar variation 932819 (VCV000932819.12), dbSNP rs780626099, ClinGen allele CA8337897.